The following is an entry in ClinVar:

NM_004482.4(GALNT3):c.511C>T (p.Pro171Ser)

Gene: GALNT3 (polypeptide N-acetylgalactosaminyltransferase 3; minus strand). Cytogenetic location: 2q24.3.
Variant type: single nucleotide variant.
Coding change: c.511C>T on transcript NM_004482.4 (MANE Select); coding-DNA position 511, C replaced by T.
Protein change: p.Pro171Ser; replaces proline 171 with serine.
Molecular consequence: missense variant.
Genome position (GRCh38, 1-based): chr2:165,770,190, G>A on the plus strand (C>T on the coding strand, the complement: GALNT3 is on the minus strand). VCF-style: chr2-165770190-G-A. GRCh37 (hg19) VCF-style: chr2-166626700-G-A.
Other names: short protein forms P171S.
Identifiers: ClinVar variation 1410120 (VCV001410120.3), dbSNP rs1390418091, ClinGen allele CA349043329.

ClinVar aggregate classification (germline): Uncertain significance (1 of 4 stars; one submission).

Allele frequency attached by ClinVar (database versions not stated): gnomAD exomes below 0.00001.
gnomAD v4.1: 1 of 1,614,098 alleles (0.000062%); highest among the groups gnomAD compares: East Asian, 0.0022%; no homozygotes.

Submission:

Labcorp Genetics (formerly Invitae), Labcorp
Classification: Uncertain significance. Last evaluated: 2022-11-02. Review status: criteria provided, single submitter. Criteria: Invitae Variant Classification Sherloc (09022015). Collection method: clinical testing. Allele origin: germline.
Comment: This sequence change replaces proline, which is neutral and non-polar, with serine, which is neutral and polar, at codon 171 of the GALNT3 protein (p.Pro171Ser). This variant is present in population databases (no rsID available, gnomAD 0.006%). This variant has not been reported in the literature in individuals affected with GALNT3-related conditions. ClinVar contains an entry for this variant (Variation ID: 1410120). Advanced modeling of protein sequence and biophysical properties (such as structural, functional, and spatial information, amino acid conservation, physicochemical variation, residue mobility, and thermodynamic stability) performed at Invitae indicates that this missense variant is not expected to disrupt GALNT3 protein function. In summary, the available evidence is currently insufficient to determine the role of this variant in disease. Therefore, it has been classified as a Variant of Uncertain Significance.